The following is an entry in ClinVar:

NM_000038.6(APC):c.1313-11T>G

Gene: APC (APC regulator of Wnt signaling pathway; plus strand). Cytogenetic location: 5q22.2.
Variant type: single nucleotide variant.
Coding change: c.1313-11T>G on transcript NM_000038.6 (MANE Select); 11 bases into the intron before coding-DNA position 1313, T replaced by G.
Molecular consequence: intron variant.
Genome position (GRCh38, 1-based): chr5:112,821,885, T>G. VCF-style: chr5-112821885-T-G. GRCh37 (hg19) VCF-style: chr5-112157582-T-G.
Other names: c.1313-11T>G (NM_001354895.2, NM_001127510.3, NM_001354896.2); c.1343-11T>G (NM_001354897.2); c.1040-11T>G (NM_001354902.2); c.1259-11T>G (NM_001127511.3); c.1238-11T>G (NM_001354898.2); c.935-11T>G (NM_001354904.2); c.464-11T>G (NM_001354906.2); c.1010-11T>G (NM_001354903.2); and 3 more.
Identifiers: ClinVar variation 1692132 (VCV001692132.6), dbSNP rs2149791679, ClinGen allele CA2573138832.

ClinVar aggregate classification (germline): Conflicting classifications of pathogenicity. Review status: criteria provided, conflicting classifications (1 of 4 stars). 2 submissions from 2 submitters: Uncertain significance (1); Likely benign (1). Last evaluated 2022-11-14.

Conditions:
Hereditary cancer-predisposing syndrome. Also called: Hereditary Cancer Syndrome; Hereditary neoplastic syndrome; Neoplastic Syndromes, Hereditary; Tumor predisposition. Identifiers: Orphanet 140162, MedGen C0027672, MeSH D009386, MONDO:0015356.
Familial adenomatous polyposis 1 (FAP1). Also called: FAMILIAL ADENOMATOUS POLYPOSIS 1, ATTENUATED; POLYPOSIS, ADENOMATOUS INTESTINAL. Identifiers: MedGen C2713442, MONDO:0021056, OMIM 175100. Disease mechanism: loss of function.

Submissions (2):

Labcorp Genetics (formerly Invitae), Labcorp
Classification: Likely benign for Familial adenomatous polyposis 1. Last evaluated: 2022-11-14. Review status: criteria provided, single submitter. Criteria: Invitae Variant Classification Sherloc (09022015). Collection method: clinical testing. Allele origin: germline.

Sema4
Classification: Uncertain significance for Hereditary cancer-predisposing syndrome. Last evaluated: 2022-03-08. Review status: criteria provided, single submitter. Criteria: Sema4 Curation Guidelines. Collection method: curation. Allele origin: germline.
Comment: The APC c.1313-11T>G variant has not been reported in the literature to our knowledge. It was not observed in the large and broad cohorts of the Genome Aggregation Database (PMID: 32461654). This variant has not been reported in ClinVar. While some in silico tools do not predict a significant effect of this variant on splicing, others are uncertain, and the variant has not been evaluated in functional studies. The evidence is insufficient to meet ACMG/AMP criteria for classifying the variant as benign or pathogenic. Thus, the clinical significance of this variant is currently uncertain.